The following is an entry in ClinVar:

ClinVar aggregate classification (germline): Uncertain significance (1 of 4 stars; one submission).

Allele frequency attached by ClinVar (database versions not stated): gnomAD 0.00001; TOPMed 0.00001.
gnomAD v4.1: 3 of 1,613,960 alleles (0.00019%); highest among the groups gnomAD compares: East Asian, 0.0022%; no homozygotes.

Submission:

Labcorp Genetics (formerly Invitae), Labcorp
Classification: Uncertain significance. Last evaluated: 2022-10-24. Review status: criteria provided, single submitter. Criteria: Invitae Variant Classification Sherloc (09022015). Collection method: clinical testing. Allele origin: germline.
Comment: This sequence change replaces arginine, which is basic and polar, with cysteine, which is neutral and slightly polar, at codon 406 of the PDE6A protein (p.Arg406Cys). This variant is present in population databases (no rsID available, gnomAD 0.006%). This variant has not been reported in the literature in individuals affected with PDE6A-related conditions. Advanced modeling of protein sequence and biophysical properties (such as structural, functional, and spatial information, amino acid conservation, physicochemical variation, residue mobility, and thermodynamic stability) performed at Invitae indicates that this missense variant is expected to disrupt PDE6A protein function. In summary, the available evidence is currently insufficient to determine the role of this variant in disease. Therefore, it has been classified as a Variant of Uncertain Significance.

NM_000440.3(PDE6A):c.1216C>T (p.Arg406Cys)

Gene: PDE6A (phosphodiesterase 6A; minus strand). Cytogenetic location: 5q32.
Variant type: single nucleotide variant.
Coding change: c.1216C>T on transcript NM_000440.3 (MANE Select); coding-DNA position 1216, C replaced by T.
Protein change: p.Arg406Cys; replaces arginine 406 with cysteine.
Molecular consequence: missense variant.
Genome position (GRCh38, 1-based): chr5:149,899,422, G>A on the plus strand (C>T on the coding strand, the complement: PDE6A is on the minus strand). VCF-style: chr5-149899422-G-A. GRCh37 (hg19) VCF-style: chr5-149278985-G-A.
Other names: c.973C>T, p.Arg325Cys (NM_001410788.1); short protein forms R325C, R406C.
Identifiers: ClinVar variation 2414969 (VCV002414969.5), dbSNP rs745976733, ClinGen allele CA361696793.